The following is an entry in ClinVar:

NM_153717.3(EVC):c.2894+4T>A

Gene: EVC (EvC ciliary complex subunit 1; plus strand). Cytogenetic location: 4p16.2.
Variant type: single nucleotide variant.
Coding change: c.2894+4T>A on transcript NM_153717.3 (MANE Select); 4 bases into the intron after coding-DNA position 2894, T replaced by A.
Molecular consequence: intron variant.
Genome position (GRCh38, 1-based): chr4:5,810,454, T>A. VCF-style: chr4-5810454-T-A. GRCh37 (hg19) VCF-style: chr4-5812181-T-A.
Other names: c.2894+4T>A (NM_001306090.2).
Identifiers: ClinVar variation 1001690 (VCV001001690.9), dbSNP rs746636411, ClinGen allele CA2836724.

ClinVar aggregate classification (germline): Uncertain significance (1 of 4 stars; one submission).

Conditions:
Ellis-van Creveld syndrome (EVC). Also called: Chondroectodermal dysplasia; EVC-Related Ellis-van Creveld Syndrome; EVC2-Related Ellis-van Creveld Syndrome; MESOECTODERMAL DYSPLASIA. Identifiers: Orphanet 289, MedGen C0013903, MONDO:0009162, OMIM 225500.
Curry-Hall syndrome (WAD). Also called: WEYERS ACRODENTAL DYSOSTOSIS. Identifiers: Orphanet 952, MedGen C0457013, MONDO:0008673, OMIM 193530.

Allele frequency attached by ClinVar (database versions not stated): gnomAD exomes below 0.00001; ExAC 0.00001.
gnomAD v4.1: 1 of 1,607,144 alleles (0.000062%); highest among the groups gnomAD compares: South Asian, 0.0011%; no homozygotes.

Submission:

Labcorp Genetics (formerly Invitae), Labcorp
Classification: Uncertain significance for Curry-Hall syndrome; Ellis-van Creveld syndrome. Last evaluated: 2022-06-20. Review status: criteria provided, single submitter. Criteria: Invitae Variant Classification Sherloc (09022015). Collection method: clinical testing. Allele origin: germline.
Comment: In summary, the available evidence is currently insufficient to determine the role of this variant in disease. Therefore, it has been classified as a Variant of Uncertain Significance. This sequence change falls in intron 20 of the EVC gene. It does not directly change the encoded amino acid sequence of the EVC protein. It affects a nucleotide within the consensus splice site. This variant is present in population databases (rs746636411, gnomAD 0.004%). This variant has not been reported in the literature in individuals affected with EVC-related conditions. ClinVar contains an entry for this variant (Variation ID: 1001690). Variants that disrupt the consensus splice site are a relatively common cause of aberrant splicing (PMID: 17576681, 9536098). Algorithms developed to predict the effect of sequence changes on RNA splicing suggest that this variant is not likely to affect RNA splicing.

Literature cited by the submitters: PubMed 17576681; PubMed 9536098.